The following is an entry in ClinVar:

NM_001351132.2(PEX5):c.1364G>A (p.Ser455Asn)

Gene: PEX5 (peroxisomal biogenesis factor 5; plus strand). Cytogenetic location: 12p13.31.
Variant type: single nucleotide variant.
Coding change: c.1364G>A on transcript NM_001351132.2 (MANE Select); coding-DNA position 1364, G replaced by A.
Protein change: p.Ser455Asn; replaces serine 455 with asparagine.
Molecular consequence: missense variant.
Genome position (GRCh38, 1-based): chr12:7,208,639, G>A. VCF-style: chr12-7208639-G-A. GRCh37 (hg19) VCF-style: chr12-7361235-G-A.
Other names: c.1253G>A, p.Ser418Asn (NM_001351137.3, NM_001374645.1, NM_001374646.1 and 7 more transcripts); c.1298G>A, p.Ser433Asn (NM_001351138.2, NM_001351135.3); c.1229G>A, p.Ser410Asn (NM_001351139.2, NM_001351140.2, NM_001374649.2); c.1364G>A, p.Ser455Asn (NM_001351133.2, NM_001351134.2, NM_001374647.2 and 4 more transcripts); c.1355G>A, p.Ser452Asn (NM_001351136.2); c.1340G>A, p.Ser447Asn (NM_000319.5); c.1409G>A, p.Ser470Asn (NM_001131023.2); short protein forms S447N, S418N, S470N, S452N, S410N, S433N, S455N.
Identifiers: ClinVar variation 2822535 (VCV002822535.3), dbSNP rs2540277226, ClinGen allele CA383733998.

ClinVar aggregate classification (germline): Uncertain significance (1 of 4 stars; one submission).

Conditions:
Peroxisome biogenesis disorder 2B (PBD2B). Identifiers: Orphanet 44, MedGen C3550234, MONDO:0008736, OMIM 202370.

Submission:

Labcorp Genetics (formerly Invitae), Labcorp
Classification: Uncertain significance for Peroxisome biogenesis disorder 2B. Last evaluated: 2023-08-14. Review status: criteria provided, single submitter. Criteria: Invitae Variant Classification Sherloc (09022015). Collection method: clinical testing. Allele origin: germline.
Comment: In summary, the available evidence is currently insufficient to determine the role of this variant in disease. Therefore, it has been classified as a Variant of Uncertain Significance. Advanced modeling of protein sequence and biophysical properties (such as structural, functional, and spatial information, amino acid conservation, physicochemical variation, residue mobility, and thermodynamic stability) performed at Invitae indicates that this missense variant is not expected to disrupt PEX5 protein function. This variant has not been reported in the literature in individuals affected with PEX5-related conditions. This variant is not present in population databases (gnomAD no frequency). This sequence change replaces serine, which is neutral and polar, with asparagine, which is neutral and polar, at codon 455 of the PEX5 protein (p.Ser455Asn).